The following is an entry in ClinVar:

NM_000518.5(HBB):c.*112A>G

Genes: HBB (hemoglobin subunit beta; minus strand), LOC107133510 (origin of replication at HBB; plus strand), LOC110006319 (beta-globin gene 3' regulatory region; plus strand). Cytogenetic location: 11p15.4.
Variant type: single nucleotide variant.
Coding change: c.*112A>G on transcript NM_000518.5 (MANE Select); 112 bases downstream of the stop codon, A replaced by G.
Molecular consequence: 3 prime UTR variant.
Genome position (GRCh38, 1-based): chr11:5,225,486, T>C on the plus strand (A>G on the coding strand, the complement: HBB is on the minus strand). VCF-style: chr11-5225486-T-C. GRCh37 (hg19) VCF-style: chr11-5246716-T-C.
Other names: 3-UNT, A-G, +5.
Identifiers: ClinVar variation 15476 (VCV000015476.11), dbSNP rs63750954, ClinGen allele CA125331.

ClinVar aggregate classification (germline): Pathogenic/Likely pathogenic. Review status: criteria provided, multiple submitters, no conflicts (2 of 4 stars). 4 submissions from 4 submitters: Pathogenic (1); Likely pathogenic (2). 1 of the submissions does not count toward it. Last evaluated 2026-07-08.

Conditions:
Beta-thalassemia HBB/LCRB. Identifiers: MedGen CN322236, MONDO:0013517, OMIM 613985.
beta Thalassemia (BTHAL). Also called: Cooley's anemia; Erythroblastic anemia; Mediterranean anemia. Identifiers: Orphanet 848, MedGen C0005283, MONDO:0019402. Disease mechanism: loss of function.
BETA-PLUS-THALASSEMIA. Identifiers: MedGen C3841475.

gnomAD v4.1: 1 of 1,012,230 alleles (0.000099%); no homozygotes.

Submissions (4):

3billion
Classification: Likely pathogenic for Beta-thalassemia HBB/LCRB. Last evaluated: 2026-07-08. Review status: criteria provided, single submitter. Criteria: ACMG Guidelines, 2015. Collection method: clinical testing. Allele origin: germline. Inheritance: Autosomal recessive inheritance. Affected: yes.
Comment: The variant is observed at an extremely low frequency in the gnomAD v4.1.0 dataset (total allele frequency: <0.001%). Predicted Consequence/Location: 3' UTR variant The variant is located within the highly conserved 3' UTR polyadenylation signal (AATAAA) of the HBB gene, a well-established functional domain where multiple other pathogenic variant (e.g., AATGAA, AACAAA, and AATAGA) altering mRNA processing have been well-documented to cause 'Thalassemia, beta' (PMID: ﻿﻿23637309). The variant has been observed in at least one patient with highly specific phenotypes for a HBB-related disorder (PMID: 27821013). The variant has been reported at least twice as pathogenic without evidence for the classification (ClinVar ID: VCV000015476.10 / PMID: 2375910). Therefore, this variant is classified as Likely pathogenic (PM2_P, PP5_M, PP4_P, PM1) according to the recommendation of ACMG/AMP guideline.

Labcorp Genetics (formerly Invitae), Labcorp
Classification: Likely pathogenic. Last evaluated: 2026-01-16. Review status: criteria provided, single submitter. Criteria: Invitae Variant Classification Sherloc (09022015). Collection method: clinical testing. Allele origin: germline.
Comment: This variant occurs in a non-coding region of the HBB gene. It does not change the encoded amino acid sequence of the HBB protein. This variant is not present in population databases (gnomAD no frequency). This variant has been observed in individual(s) with HBB-related conditions (PMID: 2375910, 26554253, 27821013). In at least one individual the data is consistent with being in trans (on the opposite chromosome) from a pathogenic variant. This variant is also known as poly A mutation AATAAA→AATAGA . ClinVar contains an entry for this variant (Variation ID: 15476). In summary, the currently available evidence indicates that the variant is pathogenic, but additional data are needed to prove that conclusively. Therefore, this variant has been classified as Likely Pathogenic.

Women's Health and Genetics/Laboratory Corporation of America, LabCorp
Classification: Pathogenic for beta Thalassemia. Last evaluated: 2024-11-13. Review status: criteria provided, single submitter. Criteria: LabCorp Variant Classification Summary - May 2015. Collection method: clinical testing. Allele origin: germline.
Comment: Variant summary: HBB c.*112A>G is located in the untranslated mRNA region downstream of the termination codon. The variant was absent in 31396 control chromosomes (gnomAD). c.*112A>G has been reported in the literature in multiple individuals affected with Beta Thalassemia (e.g. Jankovic_1990, Huisman_1997, Phylipsen_2010, Rahim_2015, Lim_2016). These data indicate that the variant is very likely to be associated with disease. The following publications have been ascertained in the context of this evaluation (PMID: 2375910, 9342003, 1856830, 27821013, 26554253, 20110179). ClinVar contains an entry for this variant (Variation ID: 15476). Based on the evidence outlined above, the variant was classified as pathogenic.

OMIM
Classification: Pathogenic for BETA-PLUS-THALASSEMIA. Last evaluated: 2016-07-20. Review status: no assertion criteria provided. Collection method: literature only. Allele origin: germline. Not counted in ClinVar's aggregate classification.

Literature cited by the submitters: PubMed 23637309 (cited by 3billion); PubMed 27821013 (cited by 3 submitters); PubMed 2375910 (cited by 3 submitters); PubMed 26554253 (cited by Labcorp Genetics (formerly Invitae), Labcorp and Women's Health and Genetics/Laboratory Corporation of America, LabCorp); PubMed 1856830 (cited by Women's Health and Genetics/Laboratory Corporation of America, LabCorp); PubMed 9342003 (cited by Women's Health and Genetics/Laboratory Corporation of America, LabCorp); PubMed 20110179 (cited by Women's Health and Genetics/Laboratory Corporation of America, LabCorp); Jankovic, L., Efremov, G. D., Petkov, G., Kattamis, C., George, E., Yang, K.-G., Stoming, T. A., Huisman, T. H. J. Three novel mutations leading to beta-thalassemia. (Abstract) 31st Annual Meeting of the American Society of Hematology, Atlanta, December 1989. (cited by OMIM).